The following is an entry in ClinVar:

ClinVar aggregate classification (germline): Uncertain significance (1 of 4 stars; one submission).

Allele frequency attached by ClinVar (database versions not stated): ExAC 0.00025.

Submission:

Ambry Genetics
Classification: Uncertain significance. Last evaluated: 2024-02-22. Review status: criteria provided, single submitter. Criteria: Ambry Variant Classification Scheme 2023. Collection method: clinical testing. Allele origin: germline.
Comment: The p.L755V variant (also known as c.2263C>G), located in coding exon 13 of the PKP4 gene, results from a C to G substitution at nucleotide position 2263. The leucine at codon 755 is replaced by valine, an amino acid with highly similar properties. This amino acid position is conserved. In addition, this alteration is predicted to be tolerated by in silico analysis. Based on the available evidence, the clinical significance of this alteration remains unclear.

NM_003628.6(PKP4):c.2263C>G (p.Leu755Val)

Genes: PKP4 (plakophilin 4; plus strand), PKP4-AS1 (PKP4 antisense RNA 1; minus strand). Cytogenetic location: 2q24.1.
Variant type: single nucleotide variant.
Coding change: c.2263C>G on transcript NM_003628.6 (MANE Select); coding-DNA position 2263, C replaced by G.
Protein change: p.Leu755Val; replaces leucine 755 with valine.
Molecular consequence: missense variant.
Genome position (GRCh38, 1-based): chr2:158,662,948, C>G. VCF-style: chr2-158662948-C-G. GRCh37 (hg19) VCF-style: chr2-159519460-C-G.
Other names: c.2263C>G, p.Leu755Val (NM_001005476.4, NM_001304971.2, NM_001377218.1 and 1 more transcripts); c.2260C>G, p.Leu754Val (NM_001304969.3, NM_001377219.1, NM_001377220.1 and 2 more transcripts); c.1234C>G, p.Leu412Val (NM_001304970.3); c.2257C>G, p.Leu753Val (NM_001377222.1, NM_001377223.1); c.2254C>G, p.Leu752Val (NM_001377224.1); short protein forms L412V, L752V, L753V, L754V, L755V.
Identifiers: ClinVar variation 3223503 (VCV003223503.1), dbSNP rs775709501, ClinGen allele CA1920955.